The following is an entry in ClinVar:

NM_003072.5(SMARCA4):c.4708A>G (p.Ser1570Gly)

Gene: SMARCA4 (SWI/SNF related BAF chromatin remodeling complex subunit ATPase 4; plus strand). Cytogenetic location: 19p13.2.
Variant type: single nucleotide variant.
Coding change: c.4708A>G on transcript NM_003072.5 (MANE Select); coding-DNA position 4708, A replaced by G.
Protein change: p.Ser1570Gly; replaces serine 1570 with glycine.
Molecular consequence: missense variant. On other transcripts: non-coding transcript variant (1).
Genome position (GRCh38, 1-based): chr19:11,059,825, A>G. VCF-style: chr19-11059825-A-G. GRCh37 (hg19) VCF-style: chr19-11170501-A-G.
Other names: c.4708A>G, p.Ser1570Gly (NM_001128844.3); c.4618A>G, p.Ser1540Gly (NM_001128845.2); c.4615A>G, p.Ser1539Gly (NM_001128846.2); c.4609A>G, p.Ser1537Gly (NM_001128847.4, NM_001374457.1); c.4606A>G, p.Ser1536Gly (NM_001128848.2); c.4804A>G, p.Ser1602Gly (NM_001128849.3, NM_001387283.1); c.4705A>G, p.Ser1569Gly (NM_001411150.1); short protein forms S1537G, S1539G, S1569G, S1536G, S1540G, S1570G, S1602G.
Identifiers: ClinVar variation 1743214 (VCV001743214.2), dbSNP rs2147114992, ClinGen allele CA404079500.
Genomic context (GRCh38, chr19:11,059,825, plus strand): 5'-TCCATCGTCTTGCAGTCGGTCTTCACCAGCGTGCGGCAGAAAATCGAGAAGGAGGATGAC[A>G]GTGAAGGCGAGGAGAGTGAGGAGGAGGAAGAGGGCGAGGAGGAAGGCTCCGAATCCGAAT-3'
Protein context (NP_003063.2, residues 1560-1580): VRQKIEKEDD[Ser1570Gly]EGEESEEEEE

ClinVar aggregate classification (germline): Uncertain significance (1 of 4 stars; one submission).

Conditions:
Hereditary cancer-predisposing syndrome. Also called: Hereditary Cancer Syndrome; Neoplastic Syndromes, Hereditary; Tumor predisposition; Hereditary neoplastic syndrome. Identifiers: Orphanet 140162, MedGen C0027672, MeSH D009386, MONDO:0015356.

Submission:

Ambry Genetics
Classification: Uncertain significance for Hereditary cancer-predisposing syndrome. Last evaluated: 2022-07-13. Review status: criteria provided, single submitter. Criteria: Ambry Variant Classification Scheme 2023. Collection method: clinical testing. Allele origin: germline.
Comment: The p.S1602G variant (also known as c.4804A>G), located in coding exon 33 of the SMARCA4 gene, results from an A to G substitution at nucleotide position 4804. The serine at codon 1602 is replaced by glycine, an amino acid with similar properties. This amino acid position is highly conserved in available vertebrate species. In addition, the in silico prediction for this alteration is inconclusive. Missense and in-frame variants in SMARCA4 are known to cause neurodevelopmental disorders; however, such associations with rhabdoid tumor predisposition syndrome including small cell carcinoma of the ovary-hypercalcemic type (SCCOHT) are exceedingly rare (Kosho T et al. Am J Med Genet C Semin Med Genet. 2014 Sep;166C(3):262-75; Jelinic P et al. Nat Genet. 2014 May;46(5):424-6). Based on the supporting evidence, the association of this alteration with Coffin-Siris syndrome is unknown; however, the association of this alteration with rhabdoid tumor predisposition syndrome is unlikely.